The following is an entry in ClinVar:

ClinVar aggregate classification (germline): Likely pathogenic. Review status: reviewed by expert panel (3 of 4 stars). 2 submissions from 2 submitters: Likely pathogenic (1). 1 of the submissions does not count toward it. Last evaluated 2026-04-29.

Conditions:
Hereditary thrombocytopenia and hematologic cancer predisposition syndrome. Identifiers: Orphanet 71290, MedGen CN281654, MONDO:0011071.
Hereditary thrombocytopenia and hematological cancer predisposition syndrome associated with RUNX1. Also called: Familial Platelet Disorder with Propensity to Acute Myelogenous Leukemia; Familial thrombocytopenia with propensity to acute myelogenous leukemia; PLATELET DISORDER, ASPIRIN-LIKE; RUNX1 Familial Platelet Disorder with Associated Myeloid Malignancies. Identifiers: Orphanet 71290, MedGen C1832388, MeSH C563324, MONDO:0100083, OMIM 601399.

Submissions (2):

ClinGen Myeloid Malignancy Variant Curation Expert Panel
Classification: Likely pathogenic for Hereditary thrombocytopenia and hematologic cancer predisposition syndrome. Last evaluated: 2026-04-29. Review status: reviewed by expert panel. Criteria: ClinGen MyeloMalig ACMG Specifications V3.1. Collection method: curation. Allele origin: germline. Inheritance: Autosomal dominant inheritance.
Comment: NM_001754.5(RUNX1):c.580A>G (p.Lys194Glu) is a missense variant which affects one of the hotspot residues (K194) in the RHD (PM1_strong). This variant has a REVEL score ≥ 0.88 (0.956) (PP3) and is completely absent from all population databases with at least 20x coverage for RUNX1 (PM2_supporting). In summary, this variant meets criteria to be classified as likely pathogenic. ACMG/AMP criteria applied, as specified by the Myeloid Malignancy Variant Curation Expert Panel for RUNX1: PM1_strong, PP3, PM2_supporting.

Labcorp Genetics (formerly Invitae), Labcorp
Classification: Uncertain significance for Hereditary thrombocytopenia and hematological cancer predisposition syndrome associated with RUNX1. Last evaluated: 2024-07-02. Review status: criteria provided, single submitter. Criteria: Invitae Variant Classification Sherloc (09022015). Collection method: clinical testing. Allele origin: germline. Not counted in ClinVar's aggregate classification.
Comment: This sequence change replaces lysine, which is basic and polar, with glutamic acid, which is acidic and polar, at codon 194 of the RUNX1 protein (p.Lys194Glu). This variant is not present in population databases (gnomAD no frequency). This variant has not been reported in the literature in individuals affected with RUNX1-related conditions. Advanced modeling of protein sequence and biophysical properties (such as structural, functional, and spatial information, amino acid conservation, physicochemical variation, residue mobility, and thermodynamic stability) has been performed at Invitae for this missense variant, however the output from this modeling did not meet the statistical confidence thresholds required to predict the impact of this variant on RUNX1 protein function. In summary, the available evidence is currently insufficient to determine the role of this variant in disease. Therefore, it has been classified as a Variant of Uncertain Significance.

NM_001754.5(RUNX1):c.580A>G (p.Lys194Glu)

Genes: RUNX1 (RUNX family transcription factor 1; minus strand), RUNX1-AS1 (RUNX1 antisense RNA 1; plus strand). Cytogenetic location: 21q22.12.
Variant type: single nucleotide variant.
Coding change: c.580A>G on transcript NM_001754.5 (MANE Select); coding-DNA position 580, A replaced by G.
Protein change: p.Lys194Glu; replaces lysine 194 with glutamic acid.
Molecular consequence: missense variant.
Genome position (GRCh38, 1-based): chr21:34,859,507, T>C on the plus strand (A>G on the coding strand, the complement: RUNX1 is on the minus strand). VCF-style: chr21-34859507-T-C. GRCh37 (hg19) VCF-style: chr21-36231804-T-C.
Other names: NM_001754.5(RUNX1):c.580A>G; p.Lys194Glu; c.499A>G, p.Lys167Glu (NM_001001890.3, NM_001122607.2); short protein forms K167E, K194E.
Identifiers: ClinVar variation 3668347 (VCV003668347.5).